The following is an entry in ClinVar:

ClinVar aggregate classification (germline): Uncertain significance (1 of 4 stars; one submission).

Conditions:
Autosomal recessive limb-girdle muscular dystrophy type 2O. Also called: MUSCULAR DYSTROPHY-DYSTROGLYCANOPATHY (LIMB-GIRDLE), TYPE C, 3; MUSCULAR DYSTROPHY-DYSTROGLYCANOPATHY, LIMB-GIRDLE, POMGNT1-RELATED; Limb-Girdle Muscular Dystrophy Type 3C. Identifiers: Orphanet 206564, MedGen C3150417, MONDO:0013161, OMIM 613157.
Muscular dystrophy-dystroglycanopathy (congenital with impaired intellectual development), type B, 3. Also called: MUSCULAR DYSTROPHY, CONGENITAL, POMGNT1-RELATED; Muscular dystrophy-dystroglycanopathy (congenital with intellectual disability), type B3. Identifiers: MedGen C3150412, MONDO:0013155, OMIM 613151.

gnomAD v4.1: 2 of 1,614,002 alleles (0.00012%); highest among the groups gnomAD compares: Non-Finnish European, 0.00017%; no homozygotes.

Submission:

Labcorp Genetics (formerly Invitae), Labcorp
Classification: Uncertain significance for Autosomal recessive limb-girdle muscular dystrophy type 2O; Muscular dystrophy-dystroglycanopathy (congenital with impaired intellectual development), type B, 3. Last evaluated: 2024-07-02. Review status: criteria provided, single submitter. Criteria: Invitae Variant Classification Sherloc (09022015). Collection method: clinical testing. Allele origin: germline.
Comment: This sequence change replaces asparagine, which is neutral and polar, with serine, which is neutral and polar, at codon 507 of the POMGNT1 protein (p.Asn507Ser). This variant is not present in population databases (gnomAD no frequency). This variant has not been reported in the literature in individuals affected with POMGNT1-related conditions. Advanced modeling of protein sequence and biophysical properties (such as structural, functional, and spatial information, amino acid conservation, physicochemical variation, residue mobility, and thermodynamic stability) performed at Invitae indicates that this missense variant is not expected to disrupt POMGNT1 protein function with a negative predictive value of 95%. In summary, the available evidence is currently insufficient to determine the role of this variant in disease. Therefore, it has been classified as a Variant of Uncertain Significance.

NM_017739.4(POMGNT1):c.1520A>G (p.Asn507Ser)

Genes: POMGNT1 (protein O-linked mannose N-acetylglucosaminyltransferase 1 (beta 1,2-); minus strand), TSPAN1 (tetraspanin 1; plus strand). Cytogenetic location: 1p34.1.
Variant type: single nucleotide variant.
Coding change: c.1520A>G on transcript NM_017739.4 (MANE Select); coding-DNA position 1520, A replaced by G.
Protein change: p.Asn507Ser; replaces asparagine 507 with serine.
Molecular consequence: missense variant.
Genome position (GRCh38, 1-based): chr1:46,192,117, T>C on the plus strand (A>G on the coding strand, the complement: POMGNT1 is on the minus strand). VCF-style: chr1-46192117-T-C. GRCh37 (hg19) VCF-style: chr1-46657789-T-C.
Other names: c.1520A>G, p.Asn507Ser (NM_001243766.2, NM_001410783.1); c.1454A>G, p.Asn485Ser (NM_001290129.3); c.1091A>G, p.Asn364Ser (NM_001290130.2); short protein forms N364S, N485S, N507S.
Identifiers: ClinVar variation 3753506 (VCV003753506.2).